The following is an entry in ClinVar:

NM_018136.5(ASPM):c.3592G>C (p.Asp1198His)

Gene: ASPM (assembly factor for spindle microtubules; minus strand). Cytogenetic location: 1q31.3.
Variant type: single nucleotide variant.
Coding change: c.3592G>C on transcript NM_018136.5 (MANE Select); coding-DNA position 3592, G replaced by C.
Protein change: p.Asp1198His; replaces aspartic acid 1198 with histidine.
Molecular consequence: missense variant.
Genome position (GRCh38, 1-based): chr1:197,122,394, C>G on the plus strand (G>C on the coding strand, the complement: ASPM is on the minus strand). VCF-style: chr1-197122394-C-G. GRCh37 (hg19) VCF-style: chr1-197091524-C-G.
Other names: c.3592G>C, p.Asp1198His (NM_001206846.2); c.3592G>C (NM_018136.4); short protein forms D1198H.
Identifiers: ClinVar variation 1446026 (VCV001446026.6), dbSNP rs757999177, ClinGen allele CA1310138.

ClinVar aggregate classification (germline): Uncertain significance. Review status: criteria provided, multiple submitters, no conflicts (2 of 4 stars). 2 submissions from 2 submitters: Uncertain significance (2). Last evaluated 2025-01-08.

Conditions:
Inborn genetic diseases. Identifiers: MedGen C0950123, MeSH D030342.

Allele frequency attached by ClinVar (database versions not stated): gnomAD exomes 0.00001; ExAC 0.00002.
gnomAD v4.1: 27 of 1,613,622 alleles (0.0017%); highest among the groups gnomAD compares: Non-Finnish European, 0.0023%; no homozygotes.

Submissions (2):

Ambry Genetics
Classification: Uncertain significance for Inborn genetic diseases. Last evaluated: 2025-01-08. Review status: criteria provided, single submitter. Criteria: Ambry Variant Classification Scheme 2023. Collection method: clinical testing. Allele origin: germline.

Labcorp Genetics (formerly Invitae), Labcorp
Classification: Uncertain significance. Last evaluated: 2022-09-07. Review status: criteria provided, single submitter. Criteria: Invitae Variant Classification Sherloc (09022015). Collection method: clinical testing. Allele origin: germline.
Comment: This sequence change replaces aspartic acid, which is acidic and polar, with histidine, which is basic and polar, at codon 1198 of the ASPM protein (p.Asp1198His). This variant is present in population databases (rs757999177, gnomAD 0.003%). This variant has not been reported in the literature in individuals affected with ASPM-related conditions. ClinVar contains an entry for this variant (Variation ID: 1446026). Algorithms developed to predict the effect of missense changes on protein structure and function are either unavailable or do not agree on the potential impact of this missense change (SIFT: "Deleterious"; PolyPhen-2: "Probably Damaging"; Align-GVGD: "Class C0"). In summary, the available evidence is currently insufficient to determine the role of this variant in disease. Therefore, it has been classified as a Variant of Uncertain Significance.